The following is an entry in ClinVar:

NC_000013.11:g.32332376_32332378delinsTT

Gene: BRCA2 (BRCA2 DNA repair associated; plus strand). Cytogenetic location: 13q13.1.
Variant type: Indel.
Genome position: GRCh38 VCF-style: chr13-32332376-GTA-TT. GRCh37 (hg19) VCF-style: chr13-32906513-GTA-TT.
Other names: c.898_900delinsTT, p.Val300fs (LRG_293t1).
Identifiers: ClinVar variation 409425 (VCV000409425.7), dbSNP rs1060502385, ClinGen allele CA16613922.

ClinVar aggregate classification (germline): Pathogenic. Review status: reviewed by expert panel (3 of 4 stars). 2 submissions from 2 submitters: Pathogenic (1). 1 of the submissions does not count toward it. Last evaluated 2017-12-15.

Conditions:
Hereditary breast ovarian cancer syndrome. Also called: Hereditary breast and ovarian cancer syndrome; Hereditary breast and/or ovarian cancer syndrome; BRCA1- and BRCA2-Associated Hereditary Breast and Ovarian Cancer; Hereditary breast and ovarian cancer syndrome (HBOC); Hereditary breast and ovarian cancer; Breast and ovarian cancer. Identifiers: Orphanet 145, MedGen C0677776, MeSH D061325, MONDO:0003582. Disease mechanism: loss of function.
Breast-ovarian cancer, familial, susceptibility to, 2 (BROVCA2). Also called: BRCA2 Hereditary Breast and Ovarian Cancer. Identifiers: Orphanet 145, MedGen C2675520, MONDO:0012933, OMIM 612555. Disease mechanism: loss of function.

Submissions (2):

Evidence-based Network for the Interpretation of Germline Mutant Alleles (ENIGMA)
Classification: Pathogenic for Breast-ovarian cancer, familial, susceptibility to, 2. Last evaluated: 2017-12-15. Review status: reviewed by expert panel. Criteria: ENIGMA BRCA1/2 Classification Criteria (2017-06-29). Collection method: curation. Allele origin: germline. Study: ENIGMA.
Comment: Variant allele predicted to encode a truncated non-functional protein.

Labcorp Genetics (formerly Invitae), Labcorp
Classification: Pathogenic for Hereditary breast ovarian cancer syndrome. Last evaluated: 2019-12-07. Review status: criteria provided, single submitter. Criteria: Invitae Variant Classification Sherloc (09022015). Collection method: clinical testing. Allele origin: germline. Not counted in ClinVar's aggregate classification.
Comment: For these reasons, this variant has been classified as Pathogenic. Loss-of-function variants in BRCA2 are known to be pathogenic (PMID: 20104584). This variant has not been reported in the literature in individuals with BRCA2-related conditions. ClinVar contains an entry for this variant (Variation ID: 409425). This variant is not present in population databases (ExAC no frequency). This sequence change creates a premature translational stop signal (p.Val300Leufs*24) in the BRCA2 gene. It is expected to result in an absent or disrupted protein product.

Literature cited by the submitters: PubMed 20104584 (cited by Labcorp Genetics (formerly Invitae), Labcorp).